The following is an entry in ClinVar:

NM_001005242.3(PKP2):c.1413C>A (p.Leu471=)

Gene: PKP2 (plakophilin 2; minus strand). Cytogenetic location: 12p11.21.
Variant type: single nucleotide variant.
Coding change: c.1413C>A on transcript NM_001005242.3 (MANE Select); coding-DNA position 1413, C replaced by A.
Protein change: p.Leu471=; no amino-acid change (leucine 471 retained).
Molecular consequence: synonymous variant.
Genome position (GRCh38, 1-based): chr12:32,841,171, G>T on the plus strand (C>A on the coding strand, the complement: PKP2 is on the minus strand). VCF-style: chr12-32841171-G-T. GRCh37 (hg19) VCF-style: chr12-32994105-G-T.
Other names: c.1413C>A, p.Leu471= (NM_001407155.1, NM_001407156.1, NM_001407161.1); c.1545C>A, p.Leu515= (NM_001407157.1, NM_004572.4); c.1086C>A, p.Leu362= (NM_001407158.1, NM_001407159.1, NM_001407160.1 and 1 more transcripts).
Identifiers: ClinVar variation 3069780 (VCV003069780.1), dbSNP rs755803749, ClinGen allele CA479177312.

ClinVar aggregate classification (germline): Likely benign (1 of 4 stars; one submission).

Conditions:
Arrhythmogenic right ventricular cardiomyopathy (ARVD). Also called: Arrhythmogenic right ventricular dysplasia; Cardiomyopathy, ARVC; Arrhythmogenic cardiomyopathy; Arrhythmogenic Right Ventricular Cardiomyopathy (ARVC). Identifiers: Orphanet 247, MedGen C0349788, MeSH D019571, MONDO:0016587. Disease mechanism: loss of function. Inheritance: Various modes of inheritance.

Submission:

All of Us Research Program, National Institutes of Health
Classification: Likely benign for Arrhythmogenic right ventricular cardiomyopathy. Last evaluated: 2023-03-09. Review status: criteria provided, single submitter. Criteria: ACMG Guidelines, 2015. Collection method: clinical testing. Allele origin: germline. Inheritance: Autosomal dominant inheritance. Observed: 1 variant allele, 1 heterozygote.
Comment: This study involves interpretation of variants in research participants for the purpose of population health screening. Participant phenotype was not available at the time of variant classification. Additional details can be found in publication PMID: 35346344, PMCID: PMC8962531